The following is an entry in ClinVar:

ClinVar aggregate classification (germline): Uncertain significance (1 of 4 stars; one submission).

Submission:

GeneDx
Classification: Uncertain significance. Last evaluated: 2023-01-17. Review status: criteria provided, single submitter. Criteria: GeneDx Variant Classification Process June 2021. Collection method: clinical testing. Allele origin: germline. Affected: yes.
Comment: Not observed at significant frequency in large population cohorts (gnomAD); In silico analysis supports that this missense variant has a deleterious effect on protein structure/function; Has not been previously published as pathogenic or benign to our knowledge

NM_001046.3(SLC12A2):c.3341A>C (p.His1114Pro)

Gene: SLC12A2 (solute carrier family 12 member 2; plus strand). Cytogenetic location: 5q23.3.
Variant type: single nucleotide variant.
Coding change: c.3341A>C on transcript NM_001046.3 (MANE Select); coding-DNA position 3341, A replaced by C.
Protein change: p.His1114Pro; replaces histidine 1114 with proline.
Molecular consequence: missense variant. On other transcripts: non-coding transcript variant (1).
Genome position (GRCh38, 1-based): chr5:128,184,407, A>C. VCF-style: chr5-128184407-A-C. GRCh37 (hg19) VCF-style: chr5-127520099-A-C.
Other names: c.3293A>C, p.His1098Pro (NM_001256461.2); short protein forms H1098P, H1114P.
Identifiers: ClinVar variation 2572915 (VCV002572915.1), dbSNP rs2479497505, ClinGen allele CA360741059.